The following is an entry in ClinVar:

NM_000038.6(APC):c.2521T>G (p.Leu841Val)

Gene: APC (APC regulator of Wnt signaling pathway; plus strand). Cytogenetic location: 5q22.2.
Variant type: single nucleotide variant.
Coding change: c.2521T>G on transcript NM_000038.6 (MANE Select); coding-DNA position 2521, T replaced by G.
Protein change: p.Leu841Val; replaces leucine 841 with valine.
Molecular consequence: missense variant.
Genome position (GRCh38, 1-based): chr5:112,838,115, T>G. VCF-style: chr5-112838115-T-G. GRCh37 (hg19) VCF-style: chr5-112173812-T-G.
Other names: c.2521T>G, p.Leu841Val (NM_001127510.3, NM_001354895.2); c.2467T>G, p.Leu823Val (NM_001127511.3); c.2575T>G, p.Leu859Val (NM_001354896.2); c.2551T>G, p.Leu851Val (NM_001354897.2); c.2446T>G, p.Leu816Val (NM_001354898.2); c.2437T>G, p.Leu813Val (NM_001354899.2); c.2398T>G, p.Leu800Val (NM_001354900.2); c.2344T>G, p.Leu782Val (NM_001354901.2); and 5 more; short protein forms L558V, L681V, L715V, L740V, L750V, L782V, L800V, L813V.
Identifiers: ClinVar variation 1014098 (VCV001014098.13), dbSNP rs1765202291, ClinGen allele CA16026854.

ClinVar aggregate classification (germline): Uncertain significance. Review status: criteria provided, multiple submitters, no conflicts (2 of 4 stars). 2 submissions from 2 submitters: Uncertain significance (2). Last evaluated 2025-07-02.

Conditions:
Hereditary cancer-predisposing syndrome. Also called: Hereditary Cancer Syndrome; Tumor predisposition; Neoplastic Syndromes, Hereditary; Hereditary neoplastic syndrome. Identifiers: Orphanet 140162, MedGen C0027672, MeSH D009386, MONDO:0015356.
Familial adenomatous polyposis 1 (FAP1). Also called: FAMILIAL ADENOMATOUS POLYPOSIS 1, ATTENUATED; POLYPOSIS, ADENOMATOUS INTESTINAL. Identifiers: MedGen C2713442, MONDO:0021056, OMIM 175100. Disease mechanism: loss of function.

Submissions (2):

Labcorp Genetics (formerly Invitae), Labcorp
Classification: Uncertain significance for Familial adenomatous polyposis 1. Last evaluated: 2025-07-02. Review status: criteria provided, single submitter. Criteria: Invitae Variant Classification Sherloc (09022015). Collection method: clinical testing. Allele origin: germline.
Comment: This sequence change replaces leucine, which is neutral and non-polar, with valine, which is neutral and non-polar, at codon 841 of the APC protein (p.Leu841Val). This variant is not present in population databases (gnomAD no frequency). This variant has not been reported in the literature in individuals affected with APC-related conditions. ClinVar contains an entry for this variant (Variation ID: 1014098). Invitae Evidence Modeling of protein sequence and biophysical properties (such as structural, functional, and spatial information, amino acid conservation, physicochemical variation, residue mobility, and thermodynamic stability) indicates that this missense variant is not expected to disrupt APC protein function with a negative predictive value of 95%. In summary, the available evidence is currently insufficient to determine the role of this variant in disease. Therefore, it has been classified as a Variant of Uncertain Significance.

Ambry Genetics
Classification: Uncertain significance for Hereditary cancer-predisposing syndrome. Last evaluated: 2024-03-18. Review status: criteria provided, single submitter. Criteria: Ambry Variant Classification Scheme 2023. Collection method: clinical testing. Allele origin: germline.
Comment: The p.L841V variant (also known as c.2521T>G), located in coding exon 15 of the APC gene, results from a T to G substitution at nucleotide position 2521. The leucine at codon 841 is replaced by valine, an amino acid with highly similar properties. This amino acid position is not well conserved in available vertebrate species. In addition, in silico predictors for this gene do not accurately predict pathogenicity. Since supporting evidence is limited at this time, the clinical significance of this alteration remains unclear.